The following is an entry in ClinVar:

NM_004357.5(CD151):c.702+4A>G

Gene: CD151 (CD151 molecule (Raph blood group); plus strand). Cytogenetic location: 11p15.5.
Variant type: single nucleotide variant.
Coding change: c.702+4A>G on transcript NM_004357.5 (MANE Select); 4 bases into the intron after coding-DNA position 702, A replaced by G.
Molecular consequence: intron variant.
Genome position (GRCh38, 1-based): chr11:838,032, A>G. VCF-style: chr11-838032-A-G. GRCh37 (hg19) VCF-style: chr11-838032-A-G.
Other names: c.702+4A>G (NM_139030.4, NM_139029.2, NM_001039490.2).
Identifiers: ClinVar variation 2178170 (VCV002178170.5), dbSNP rs753806157, ClinGen allele CA5792342.
Genomic context (GRCh38, chr11:838,032, plus strand): 5'-ATCCAGGAGCACCTGAGGGTCATTGGGGCTGTGGGGATCGGCATTGCCTGTGTGCAGGTG[A>G]GGGCACATGGGGGTGGCGGTCATCTTGTTGGGGACACGGGGCAGGGCGGTGGCTGGTGGC-3'

ClinVar aggregate classification (germline): Uncertain significance. Review status: criteria provided, multiple submitters, no conflicts (2 of 4 stars). 2 submissions from 2 submitters: Uncertain significance (2). Last evaluated 2024-05-15.

Conditions:
Epidermolysis bullosa simplex 7, with nephropathy and deafness. Also called: Nephropathy with Pretibial Epidermolysis Bullosa and Deafness; Nephrotic syndrome - deafness - pretibial epidermolysis bullosa syndrome. Identifiers: Orphanet 300333, MedGen C1836823, MONDO:0012190, OMIM 609057.
RAPH BLOOD GROUP SYSTEM. Also called: MER2 BLOOD CELL ANTIGEN EXPRESSION. Identifiers: MedGen C1867341, OMIM 179620.

Allele frequency attached by ClinVar (database versions not stated): ExAC 0.00001; gnomAD 0.00002; TOPMed 0.00002; gnomAD exomes 0.00004.
gnomAD v4.1: 65 of 1,612,372 alleles (0.004%); highest among the groups gnomAD compares: Non-Finnish European, 0.005%; no homozygotes.

Submissions (2):

Fulgent Genetics
Classification: Uncertain significance for RAPH BLOOD GROUP SYSTEM; Epidermolysis bullosa simplex 7, with nephropathy and deafness. Last evaluated: 2024-05-15. Review status: criteria provided, single submitter. Criteria: ACMG Guidelines, 2015. Collection method: clinical testing. Allele origin: germline.

Labcorp Genetics (formerly Invitae), Labcorp
Classification: Uncertain significance. Last evaluated: 2024-02-17. Review status: criteria provided, single submitter. Criteria: Invitae Variant Classification Sherloc (09022015). Collection method: clinical testing. Allele origin: germline.
Comment: This sequence change falls in intron 8 of the CD151 gene. It does not directly change the encoded amino acid sequence of the CD151 protein. It affects a nucleotide within the consensus splice site. This variant is present in population databases (rs753806157, gnomAD 0.004%). This variant has not been reported in the literature in individuals affected with CD151-related conditions. ClinVar contains an entry for this variant (Variation ID: 2178170). Variants that disrupt the consensus splice site are a relatively common cause of aberrant splicing (PMID: 17576681, 9536098). Algorithms developed to predict the effect of sequence changes on RNA splicing suggest that this variant is not likely to affect RNA splicing. In summary, the available evidence is currently insufficient to determine the role of this variant in disease. Therefore, it has been classified as a Variant of Uncertain Significance.

Literature cited by the submitters: PubMed 17576681 (cited by Labcorp Genetics (formerly Invitae), Labcorp); PubMed 9536098 (cited by Labcorp Genetics (formerly Invitae), Labcorp).